The following is an entry in ClinVar:

ClinVar aggregate classification (germline): Likely pathogenic (1 of 4 stars; one submission).

Conditions:
X-linked lissencephaly with abnormal genitalia. Identifiers: Orphanet 452, MedGen C1846171, MONDO:0010268, OMIM 300215.

Submission:

3billion
Classification: Likely pathogenic for X-linked lissencephaly with abnormal genitalia. Last evaluated: 2022-03-22. Review status: criteria provided, single submitter. Criteria: ACMG Guidelines, 2015. Collection method: clinical testing. Allele origin: germline. Affected: yes. Observed: 1 heterozygote.
Comment: Frameshift: predicted to result in a loss or disruption of normal protein function through nonsense-mediated decay (NMD) or protein truncation. Multiple pathogenic variants are reported downstream of the variant.It is not observed in the gnomAD v2.1.1 dataset. Therefore, this variant is classified as likely pathogenic according to the recommendation of ACMG/AMP guideline.

NM_139058.3(ARX):c.1206del (p.Pro403fs)

Gene: ARX (aristaless related homeobox; minus strand). Cytogenetic location: Xp21.3.
Variant type: Deletion.
Coding change: c.1206del on transcript NM_139058.3 (MANE Select); coding-DNA position 1206, one base deleted (G; older notation c.1206delG).
Protein change: p.Pro403fs; shifts the reading frame from proline 403.
Molecular consequence: frameshift variant.
Genome position (GRCh38, 1-based): chrX:25,007,353, C deleted on the plus strand (G on the coding strand, the reverse complement: ARX is on the minus strand); the first of 4 consecutive C bases (chrX:25,007,353-25,007,356); deleting any one gives the same sequence. VCF-style (leftmost placement, unchanged base first): chrX-25007352-GC-G. GRCh37 (hg19) VCF-style: chrX-25025469-GC-G.
Other names: short protein forms P403fs.
Identifiers: ClinVar variation 1526057 (VCV001526057.1), dbSNP rs2147320576, ClinGen allele CA2573158494.